The following is an entry in ClinVar:

NM_001851.6(COL9A1):c.645T>C (p.Asp215=)

Gene: COL9A1 (collagen type IX alpha 1 chain; minus strand). Cytogenetic location: 6q13.
Variant type: single nucleotide variant.
Coding change: c.645T>C on transcript NM_001851.6 (MANE Select); coding-DNA position 645, T replaced by C.
Protein change: p.Asp215=; no amino-acid change (aspartic acid 215 retained).
Molecular consequence: synonymous variant.
Genome position (GRCh38, 1-based): chr6:70,294,218, A>G on the plus strand (T>C on the coding strand, the complement: COL9A1 is on the minus strand). VCF-style: chr6-70294218-A-G. GRCh37 (hg19) VCF-style: chr6-71003921-A-G.
Other names: c.645T>C, p.Asp215= (NM_001377291.1).
Identifiers: ClinVar variation 511522 (VCV000511522.42), dbSNP rs138147561, ClinGen allele CA3882763.

ClinVar aggregate classification (germline): Likely benign. Review status: criteria provided, multiple submitters, no conflicts (2 of 4 stars). 4 submissions from 4 submitters: Likely benign (4). Last evaluated 2025-12-22.

Allele frequency attached by ClinVar (database versions not stated): ExAC 0.00002; gnomAD exomes 0.00003 and 0.00004; TOPMed 0.00004; gnomAD 0.00007; ESP Exome Variant Server 0.00015.
gnomAD v4.1: 66 of 1,614,004 alleles (0.0041%); highest among the groups gnomAD compares: Middle Eastern, 0.016%; no homozygotes.

Submissions (4):

Labcorp Genetics (formerly Invitae), Labcorp
Classification: Likely benign. Last evaluated: 2025-12-22. Review status: criteria provided, single submitter. Criteria: Invitae Variant Classification Sherloc (09022015). Collection method: clinical testing. Allele origin: germline.

CeGaT Center for Human Genetics Tuebingen
Classification: Likely benign. Last evaluated: 2025-07-01. Review status: criteria provided, single submitter. Criteria: CeGaT Center For Human Genetics Tuebingen Variant Classification Criteria Version 2. Collection method: clinical testing. Allele origin: germline. Affected: yes. Observed: 2 variant alleles.
Comment: COL9A1: BP4, BP7

Blueprint Genetics
Classification: Likely benign. Last evaluated: 2024-10-18. Review status: criteria provided, single submitter. Criteria: ACMG Guidelines, 2015. Collection method: clinical testing. Allele origin: germline.

GeneDx
Classification: Likely benign. Last evaluated: 2021-02-10. Review status: criteria provided, single submitter. Criteria: GeneDx Variant Classification Process June 2021. Collection method: clinical testing. Allele origin: germline. Affected: yes.